The following is an entry in ClinVar:

ClinVar aggregate classification (germline): Uncertain significance (1 of 4 stars; one submission).

Allele frequency attached by ClinVar (database versions not stated): gnomAD exomes 0.00001.
gnomAD v4.1: 7 of 1,157,674 alleles (0.0006%); highest among the groups gnomAD compares: Non-Finnish European, 0.00069%; no homozygotes.

Submission:

GeneDx
Classification: Uncertain significance. Last evaluated: 2023-12-18. Review status: criteria provided, single submitter. Criteria: GeneDx Variant Classification Process June 2021. Collection method: clinical testing. Allele origin: germline.
Comment: Not observed at significant frequency in large population cohorts (gnomAD); In silico analysis supports that this missense variant does not alter protein structure/function; Has not been previously published as pathogenic or benign to our knowledge

NM_014008.5(CCDC22):c.1852G>A (p.Ala618Thr)

Gene: CCDC22 (CCC complex scaffolding subunit CCDC22; plus strand). Cytogenetic location: Xp11.23.
Variant type: single nucleotide variant.
Coding change: c.1852G>A on transcript NM_014008.5 (MANE Select); coding-DNA position 1852, G replaced by A.
Protein change: p.Ala618Thr; replaces alanine 618 with threonine.
Molecular consequence: missense variant.
Genome position (GRCh38, 1-based): chrX:49,250,229, G>A. VCF-style: chrX-49250229-G-A. GRCh37 (hg19) VCF-style: chrX-49106690-G-A.
Other names: short protein forms A618T.
Identifiers: ClinVar variation 1703416 (VCV001703416.3), dbSNP rs2519183077, ClinGen allele CA412946643.
Genomic context (GRCh38, chrX:49,250,229, plus strand): 5'-AAGACCCTCAGCAACCTGGAGAAGATCCGGGAGGACTACCGAGCCCTCCGCCAGGAGAAC[G>A]CTGGCCTCCTAGGCCGGGTCCGGGAGGCCTGAGGAGCCGCCGGCAGAGGTCTCTCCCCAG-3'
Protein context (NP_054727.1, residues 608-627): EDYRALRQEN[Ala618Thr]GLLGRVREA